The following is an entry in ClinVar:

ClinVar aggregate classification (germline): Uncertain significance (1 of 4 stars; one submission).

Submission:

Labcorp Genetics (formerly Invitae), Labcorp
Classification: Uncertain significance. Last evaluated: 2022-11-27. Review status: criteria provided, single submitter. Criteria: Invitae Variant Classification Sherloc (09022015). Collection method: clinical testing. Allele origin: germline.
Comment: This variant is not present in population databases (gnomAD no frequency). This sequence change creates a premature translational stop signal (p.Ile318Metfs*17) in the NEFH gene. It is expected to result in an absent or disrupted protein product. However, the current clinical and genetic evidence is not sufficient to establish whether loss-of-function variants in NEFH cause disease. This variant has not been reported in the literature in individuals affected with NEFH-related conditions. In summary, the available evidence is currently insufficient to determine the role of this variant in disease. Therefore, it has been classified as a Variant of Uncertain Significance.

NM_021076.4(NEFH):c.954_957del (p.Ile318fs)

Gene: NEFH (neurofilament heavy chain; plus strand). Cytogenetic location: 22q12.2.
Variant type: Deletion.
Coding change: c.954_957del on transcript NM_021076.4 (MANE Select); coding-DNA positions 954 to 957, 4 bases deleted (AACT; older notation c.954_957delAACT).
Protein change: p.Ile318fs; shifts the reading frame from isoleucine 318.
Molecular consequence: frameshift variant.
Genome position (GRCh38, 1-based): chr22:29,483,445-29,483,448, AACT deleted; deleting any 4 consecutive bases within chr22:29,483,444-29,483,448 gives the same sequence; the c. name uses the placement nearest the transcript's 3' end. VCF-style (leftmost placement, unchanged base first): chr22-29483443-ATAAC-A. GRCh37 (hg19) VCF-style: chr22-29879432-ATAAC-A.
Other names: short protein forms I318fs.
Identifiers: ClinVar variation 2816933 (VCV002816933.3), dbSNP rs2517971997, ClinGen allele CA2739267857.